The following is an entry in ClinVar:

ClinVar aggregate classification (germline): Likely benign (1 of 4 stars; one submission).

gnomAD v4.1: 5 of 1,614,120 alleles (0.00031%); highest among the groups gnomAD compares: Non-Finnish European, 0.00042%; no homozygotes.

Submission:

CeGaT Center for Human Genetics Tuebingen
Classification: Likely benign. Last evaluated: 2024-10-01. Review status: criteria provided, single submitter. Criteria: CeGaT Center For Human Genetics Tuebingen Variant Classification Criteria Version 2. Collection method: clinical testing. Allele origin: germline. Affected: yes. Observed: 1 variant allele.
Comment: LSS: BP4, BP7

NM_002340.6(LSS):c.2196C>G (p.Pro732=)

Gene: LSS (lanosterol synthase; minus strand). Cytogenetic location: 21q22.3.
Variant type: single nucleotide variant.
Coding change: c.2196C>G on transcript NM_002340.6 (MANE Select); coding-DNA position 2196, C replaced by G.
Protein change: p.Pro732=; no amino-acid change (proline 732 retained).
Molecular consequence: synonymous variant.
Genome position (GRCh38, 1-based): chr21:46,191,107, G>C on the plus strand (C>G on the coding strand, the complement: LSS is on the minus strand). VCF-style: chr21-46191107-G-C. GRCh37 (hg19) VCF-style: chr21-47611021-G-C.
Other names: c.2196C>G, p.Pro732= (NM_001001438.3); c.2163C>G, p.Pro721= (NM_001145436.2); c.1956C>G, p.Pro652= (NM_001145437.2).
Identifiers: ClinVar variation 3389812 (VCV003389812.14).